The following is an entry in ClinVar:

ClinVar aggregate classification (germline): Benign. Review status: criteria provided, multiple submitters, no conflicts (2 of 4 stars). 3 submissions from 3 submitters: Benign (3). Last evaluated 2026-05-13.

Conditions:
3M syndrome 1. Also called: 3-M Syndrome, CUL7-Related. Identifiers: Orphanet 2616, MedGen C2678312, MONDO:0010117, OMIM 273750.

Allele frequency attached by ClinVar (database versions not stated): ESP Exome Variant Server 0.01253; 1000 Genomes Project 0.01038; gnomAD 0.01191 and 0.01292; TOPMed 0.01362; 1000 Genomes Project 30x 0.01046.
gnomAD v4.1: 3,447 of 1,613,988 alleles (0.21%); highest among the groups gnomAD compares: African/African-American, 3.9%; 67 homozygotes.

Submissions (3):

Women's Health and Genetics/Laboratory Corporation of America, LabCorp
Classification: Benign. Last evaluated: 2026-05-13. Review status: criteria provided, single submitter. Criteria: LabCorp Variant Classification Summary - May 2015. Collection method: clinical testing. Allele origin: germline.

Labcorp Genetics (formerly Invitae), Labcorp
Classification: Benign. Last evaluated: 2026-01-28. Review status: criteria provided, single submitter. Criteria: Invitae Variant Classification Sherloc (09022015). Collection method: clinical testing. Allele origin: germline.

Illumina Laboratory Services, Illumina
Classification: Benign for 3M syndrome 1. Last evaluated: 2018-01-13. Review status: criteria provided, single submitter. Criteria: ICSL Variant Classification Criteria 13 December 2019. Collection method: clinical testing. Allele origin: germline.
Comment: This variant was observed in the ICSL laboratory as part of a predisposition screen in an ostensibly healthy population. It had not been previously curated by ICSL or reported in the Human Gene Mutation Database (HGMD: prior to June 1st, 2018), and was therefore a candidate for classification through an automated scoring system. Utilizing variant allele frequency, disease prevalence and penetrance estimates, and inheritance mode, an automated score was calculated to assess if this variant is too frequent to cause the disease. Based on the score and internal cut-off values, a variant classified as benign is not then subjected to further curation. The score for this variant resulted in a classification of benign for this disease.

NM_014780.5(CUL7):c.3096C>T (p.Asp1032=)

Gene: CUL7 (cullin 7; minus strand). Cytogenetic location: 6p21.1.
Variant type: single nucleotide variant.
Coding change: c.3096C>T on transcript NM_014780.5 (MANE Select); coding-DNA position 3096, C replaced by T.
Protein change: p.Asp1032=; no amino-acid change (aspartic acid 1032 retained).
Molecular consequence: synonymous variant.
Genome position (GRCh38, 1-based): chr6:43,044,828, G>A on the plus strand (C>T on the coding strand, the complement: CUL7 is on the minus strand). VCF-style: chr6-43044828-G-A. GRCh37 (hg19) VCF-style: chr6-43012566-G-A.
Other names: c.3192C>T, p.Asp1064= (NM_001168370.2, NM_001374872.1); c.3096C>T, p.Asp1032= (NM_001374873.1, NM_001374874.1).
Identifiers: ClinVar variation 356831 (VCV000356831.15), dbSNP rs138276478, ClinGen allele CA3813584.
Genomic context (GRCh38, chr6:43,044,828, plus strand): 5'-CTGCACCACGGGGCTGACCAGGGCCTCCCAGCAGGTCTTGCCCAGAGCTTGGGCAGCCTC[G>A]TCATCAGGGAGGAAGCGGTCAGCAAAATTCTGCTCCTGGCGCAGAGCACCGTTGAGTCTG-3'
Protein context (NP_055595.2, residues 1022-1042): QNFADRFLPD[Asp1032=]EAAQALGKTC